The following is an entry in ClinVar:

NM_001987.5(ETV6):c.675G>C (p.Gln225His)

Gene: ETV6 (ETS variant transcription factor 6; plus strand). Cytogenetic location: 12p13.2.
Variant type: single nucleotide variant.
Coding change: c.675G>C on transcript NM_001987.5 (MANE Select); coding-DNA position 675, G replaced by C.
Protein change: p.Gln225His; replaces glutamine 225 with histidine.
Molecular consequence: missense variant.
Genome position (GRCh38, 1-based): chr12:11,869,635, G>C. VCF-style: chr12-11869635-G-C. GRCh37 (hg19) VCF-style: chr12-12022569-G-C.
Other names: c.672G>C, p.Gln224His (NM_001413913.1); c.648G>C, p.Gln216His (NM_001413914.1); c.411G>C, p.Gln137His (NM_001413915.1); c.675G>C, p.Gln225His (NM_001413916.1, NM_001413917.1); short protein forms Q137H, Q216H, Q225H, Q224H.
Identifiers: ClinVar variation 3652870 (VCV003652870.2).

ClinVar aggregate classification (germline): Uncertain significance (1 of 4 stars; one submission).

Submission:

Labcorp Genetics (formerly Invitae), Labcorp
Classification: Uncertain significance. Last evaluated: 2024-05-09. Review status: criteria provided, single submitter. Criteria: Invitae Variant Classification Sherloc (09022015). Collection method: clinical testing. Allele origin: germline.
Comment: This sequence change replaces glutamine, which is neutral and polar, with histidine, which is basic and polar, at codon 225 of the ETV6 protein (p.Gln225His). This variant is not present in population databases (gnomAD no frequency). This variant has not been reported in the literature in individuals affected with ETV6-related conditions. Advanced modeling of protein sequence and biophysical properties (such as structural, functional, and spatial information, amino acid conservation, physicochemical variation, residue mobility, and thermodynamic stability) performed at Invitae indicates that this missense variant is not expected to disrupt ETV6 protein function with a negative predictive value of 80%. In summary, the available evidence is currently insufficient to determine the role of this variant in disease. Therefore, it has been classified as a Variant of Uncertain Significance.